The following is an entry in ClinVar:

NM_153766.3(KCNJ1):c.731T>G (p.Ile244Ser)

Gene: KCNJ1 (potassium inwardly rectifying channel subfamily J member 1; minus strand). Cytogenetic location: 11q24.3.
Variant type: single nucleotide variant.
Coding change: c.731T>G on transcript NM_153766.3 (MANE Select); coding-DNA position 731, T replaced by G.
Protein change: p.Ile244Ser; replaces isoleucine 244 with serine.
Molecular consequence: missense variant.
Genome position (GRCh38, 1-based): chr11:128,839,513, A>C on the plus strand (T>G on the coding strand, the complement: KCNJ1 is on the minus strand). VCF-style: chr11-128839513-A-C. GRCh37 (hg19) VCF-style: chr11-128709408-A-C.
Other names: c.731T>G, p.Ile244Ser (NM_153764.3, NM_153767.4); c.782T>G, p.Ile261Ser (NM_153765.3); c.788T>G, p.Ile263Ser (NM_000220.6); short protein forms I244S, I261S, I263S.
Identifiers: ClinVar variation 3599160 (VCV003599160.3).

ClinVar aggregate classification (germline): Likely pathogenic. Review status: criteria provided, multiple submitters, no conflicts (2 of 4 stars). 3 submissions from 3 submitters: Likely pathogenic (3). Last evaluated 2026-05-29.

Conditions:
Renal tubulopathies.
Bartter disease type 2. Also called: Bartter syndrome, type 2, antenatal; HYPERPROSTAGLANDIN E SYNDROME 2; HYPOKALEMIC ALKALOSIS WITH HYPERCALCIURIA 2, ANTENATAL. Identifiers: Orphanet 112, Orphanet 620220, MedGen C1855849, MONDO:0009424, OMIM 241200.

Submissions (3):

Genetics Laboratory, Great Ormond Street Hospital NHS Foundation Trust, North Thames Genomic Laboratory Hub
Classification: Likely pathogenic for Renal tubulopathies. Last evaluated: 2026-05-29. Review status: criteria provided, single submitter. Criteria: ACGS Best Practice Guidelines for Variant Classification in Rare Disease 2024 v1.2. Collection method: clinical testing. Allele origin: germline. Affected: yes.
Comment: PM2_moderate, PP3_supporting, PM3_moderate, PP4_supporting

Rare Kidney Stone Consortium and the Mayo Clinic Hyperoxaluria Center, Mayo Clinic
Classification: Likely pathogenic for Bartter disease type 2. Last evaluated: 2025-05-01. Review status: criteria provided, single submitter. Criteria: ACMG Guidelines, 2015. Collection method: research. Allele origin: germline. Affected: yes.
Comment: ACMG: PM1, PM2, PP2, PP3, PP4

Fulgent Genetics
Classification: Likely pathogenic for Bartter disease type 2. Last evaluated: 2024-01-25. Review status: criteria provided, single submitter. Criteria: ACMG Guidelines, 2015. Collection method: clinical testing. Allele origin: germline.

Literature cited by the submitters: PubMed 37078890 (cited by Rare Kidney Stone Consortium and the Mayo Clinic Hyperoxaluria Center, Mayo Clinic); PubMed 34805638 (cited by Rare Kidney Stone Consortium and the Mayo Clinic Hyperoxaluria Center, Mayo Clinic).